The following is an entry in ClinVar:

ClinVar aggregate classification (germline): Uncertain significance (1 of 4 stars; one submission).

Conditions:
Autosomal recessive ataxia, Beauce type. Also called: SYNE1 Deficiency; Spinocerebellar ataxia, autosomal recessive 8; ATAXIA, RECESSIVE, OF BEAUCE; SYNE1-Related Autosomal Recessive Cerebellar Ataxia. Identifiers: Orphanet 88644, MedGen C1853116, MONDO:0012549, OMIM 610743.
Emery-Dreifuss muscular dystrophy 4, autosomal dominant (EDMD4). Also called: EMERY-DREIFUSS MUSCULAR DYSTROPHY 4 WITH VARIABLE FEATURES. Identifiers: Orphanet 261, MedGen C2751807, MONDO:0013071, OMIM 612998.

Submission:

Labcorp Genetics (formerly Invitae), Labcorp
Classification: Uncertain significance for Emery-Dreifuss muscular dystrophy 4, autosomal dominant; Autosomal recessive ataxia, Beauce type. Last evaluated: 2022-07-04. Review status: criteria provided, single submitter. Criteria: Invitae Variant Classification Sherloc (09022015). Collection method: clinical testing. Allele origin: germline.
Comment: This sequence change replaces arginine, which is basic and polar, with leucine, which is neutral and non-polar, at codon 3908 of the SYNE1 protein (p.Arg3908Leu). This variant is not present in population databases (gnomAD no frequency). This variant has not been reported in the literature in individuals affected with SYNE1-related conditions. Algorithms developed to predict the effect of missense changes on protein structure and function (SIFT, PolyPhen-2, Align-GVGD) all suggest that this variant is likely to be tolerated. In summary, the available evidence is currently insufficient to determine the role of this variant in disease. Therefore, it has been classified as a Variant of Uncertain Significance.

NM_182961.4(SYNE1):c.11936G>T (p.Arg3979Leu)

Gene: SYNE1 (spectrin repeat containing nuclear envelope protein 1; minus strand). Cytogenetic location: 6q25.2.
Variant type: single nucleotide variant.
Coding change: c.11936G>T on transcript NM_182961.4 (MANE Select); coding-DNA position 11936, G replaced by T.
Protein change: p.Arg3979Leu; replaces arginine 3979 with leucine.
Molecular consequence: missense variant.
Genome position (GRCh38, 1-based): chr6:152,347,201, C>A on the plus strand (G>T on the coding strand, the complement: SYNE1 is on the minus strand). VCF-style: chr6-152347201-C-A. GRCh37 (hg19) VCF-style: chr6-152668336-C-A.
Other names: c.11723G>T, p.Arg3908Leu (NM_033071.5); short protein forms R3908L, R3979L.
Identifiers: ClinVar variation 2014123 (VCV002014123.1), dbSNP rs142444474, ClinGen allele CA366114727.